The following is an entry in ClinVar:

NM_018046.5(AGGF1):c.1470G>A (p.Pro490=)

Gene: AGGF1 (angiogenic factor with G-patch and FHA domains 1; plus strand). Cytogenetic location: 5q13.3.
Variant type: single nucleotide variant.
Coding change: c.1470G>A on transcript NM_018046.5 (MANE Select); coding-DNA position 1470, G replaced by A.
Protein change: p.Pro490=; no amino-acid change (proline 490 retained).
Molecular consequence: synonymous variant.
Genome position (GRCh38, 1-based): chr5:77,053,967, G>A. VCF-style: chr5-77053967-G-A. GRCh37 (hg19) VCF-style: chr5-76349792-G-A.
Identifiers: ClinVar variation 2655547 (VCV002655547.24), dbSNP rs761261870, ClinGen allele CA3314489.
Genomic context (GRCh38, chr5:77,053,967, plus strand): 5'-GTAAGGTAACCATAAGTGATTGTTTTGATTTCTGTTTTGTAAAATGTTTCCCCTCTAGCC[G>A]AAAACTAAATGTGACCCTTACGTACTTGAGCATGGAGATGAAGTCAAAATTGGAGAAACT-3'
Protein context (NP_060516.2, residues 480-500): TIVNGKQILQ[Pro490=]KTKCDPYVLE

ClinVar aggregate classification (germline): Likely benign (1 of 4 stars; one submission).

Allele frequency attached by ClinVar (database versions not stated): TOPMed 0.00002; gnomAD 0.00003; gnomAD exomes 0.00004; ExAC 0.00006.
gnomAD v4.1: 60 of 1,613,822 alleles (0.0037%); highest among the groups gnomAD compares: Non-Finnish European, 0.0044%; no homozygotes.

Submission:

CeGaT Center for Human Genetics Tuebingen
Classification: Likely benign. Last evaluated: 2023-08-01. Review status: criteria provided, single submitter. Criteria: CeGaT Center For Human Genetics Tuebingen Variant Classification Criteria Version 2. Collection method: clinical testing. Allele origin: germline. Affected: yes. Observed: 1 variant allele.
Comment: AGGF1: BP4, BP7